The following is an entry in ClinVar:

NM_015895.5(GMNN):c.53A>C (p.Asn18Thr)

Gene: GMNN (geminin DNA replication inhibitor; plus strand). Cytogenetic location: 6p22.3.
Variant type: single nucleotide variant.
Coding change: c.53A>C on transcript NM_015895.5 (MANE Select); coding-DNA position 53, A replaced by C.
Protein change: p.Asn18Thr; replaces asparagine 18 with threonine.
Molecular consequence: missense variant.
Genome position (GRCh38, 1-based): chr6:24,780,664, A>C. VCF-style: chr6-24780664-A-C. GRCh37 (hg19) VCF-style: chr6-24780892-A-C.
Other names: c.53A>C, p.Asn18Thr (NM_001251989.2, NM_001251990.2, NM_001251991.1); short protein forms N18T.
Identifiers: ClinVar variation 1164494 (VCV001164494.13), dbSNP rs1923185, ClinGen allele CA3658800.

ClinVar aggregate classification (germline): Benign. Review status: criteria provided, multiple submitters, no conflicts (2 of 4 stars). 3 submissions from 3 submitters: Benign (2). 1 of the submissions does not count toward it. Last evaluated 2026-02-01.

Conditions:
GMNN-related disorder. Also called: GMNN-related condition.

Allele frequency attached by ClinVar (database versions not stated): TOPMed 0.10592; ExAC 0.12087; gnomAD exomes 0.13316 and 0.06515; ESP Exome Variant Server 0.05044; gnomAD 0.08982 and 0.08116; 1000 Genomes Project 0.21146; 1000 Genomes Project 30x 0.20534.
gnomAD v4.1: 105,296 of 1,551,152 alleles (6.8%); highest among the groups gnomAD compares: East Asian, 55%; 12,770 homozygotes.

Submissions (3):

Labcorp Genetics (formerly Invitae), Labcorp
Classification: Benign. Last evaluated: 2026-02-01. Review status: criteria provided, single submitter. Criteria: Invitae Variant Classification Sherloc (09022015). Collection method: clinical testing. Allele origin: germline.

GeneDx
Classification: Benign. Last evaluated: 2021-05-04. Review status: criteria provided, single submitter. Criteria: GeneDx Variant Classification Process June 2021. Collection method: clinical testing. Allele origin: germline. Affected: yes.

PreventionGenetics, part of Exact Sciences
Classification: Benign for GMNN-related condition. Last evaluated: 2019-08-05. Review status: no assertion criteria provided. Collection method: clinical testing. Allele origin: germline. Not counted in ClinVar's aggregate classification.
Comment: This variant is classified as benign based on ACMG/AMP sequence variant interpretation guidelines (Richards et al. 2015 PMID: 25741868, with internal and published modifications).